The following is an entry in ClinVar:

NM_004448.4(ERBB2):c.2965A>G (p.Ile989Val)

Gene: ERBB2 (erb-b2 receptor tyrosine kinase 2; plus strand). Cytogenetic location: 17q12.
Variant type: single nucleotide variant.
Coding change: c.2965A>G on transcript NM_004448.4 (MANE Select); coding-DNA position 2965, A replaced by G.
Protein change: p.Ile989Val; replaces isoleucine 989 with valine.
Molecular consequence: missense variant. On other transcripts: non-coding transcript variant (1), intron variant (1).
Genome position (GRCh38, 1-based): chr17:39,726,654, A>G. VCF-style: chr17-39726654-A-G. GRCh37 (hg19) VCF-style: chr17-37882907-A-G.
Other names: c.2875A>G, p.Ile959Val (NM_001005862.3, NM_001382782.1, NM_001382783.1); c.2920A>G, p.Ile974Val (NM_001289936.2); c.2965A>G, p.Ile989Val (NM_001289937.2, NM_001382796.1); c.3082A>G, p.Ile1028Val (NM_001382784.1); c.3067A>G, p.Ile1023Val (NM_001382785.1); c.3046A>G, p.Ile1016Val (NM_001382786.1); c.3040A>G, p.Ile1014Val (NM_001382787.1); c.2995A>G, p.Ile999Val (NM_001382788.1); and 15 more; short protein forms I1023V, I937V, I988V, I996V, I999V, I1016V, I986V, I989V.
Identifiers: ClinVar variation 2959637 (VCV002959637.3), dbSNP rs202110098, ClinGen allele CA8534427.

ClinVar aggregate classification (germline): Uncertain significance (1 of 4 stars; one submission).

Allele frequency attached by ClinVar (database versions not stated): ExAC 0.00002.
gnomAD v4.1: 9 of 1,614,080 alleles (0.00056%); highest among the groups gnomAD compares: East Asian, 0.018%; no homozygotes.

Submission:

Labcorp Genetics (formerly Invitae), Labcorp
Classification: Uncertain significance. Last evaluated: 2024-06-06. Review status: criteria provided, single submitter. Criteria: Invitae Variant Classification Sherloc (09022015). Collection method: clinical testing. Allele origin: germline.
Comment: This sequence change replaces isoleucine, which is neutral and non-polar, with valine, which is neutral and non-polar, at codon 989 of the ERBB2 protein (p.Ile989Val). This variant is present in population databases (rs202110098, gnomAD 0.03%). This variant has not been reported in the literature in individuals affected with ERBB2-related conditions. Advanced modeling of protein sequence and biophysical properties (such as structural, functional, and spatial information, amino acid conservation, physicochemical variation, residue mobility, and thermodynamic stability) performed at Invitae indicates that this missense variant is not expected to disrupt ERBB2 protein function with a negative predictive value of 80%. In summary, the available evidence is currently insufficient to determine the role of this variant in disease. Therefore, it has been classified as a Variant of Uncertain Significance.